The following is an entry in ClinVar:

ClinVar aggregate classification (germline): Uncertain significance (1 of 4 stars; one submission).

Submission:

Dasa
Classification: Uncertain significance. Last evaluated: 2024-11-27. Review status: criteria provided, single submitter. Criteria: DASA Assertion Criteria. Collection method: clinical testing. Allele origin: germline.
Comment: NM_032436.4(CHAMP1):c.2396dup (p.Met800Asnfs*5) is a frameshift variant in CHAMP1 predicted to alter the reading frame and introduce a premature termination codon and is predicted to result in an absent or altered protein product. Loss of function is an established disease mechanism for CHAMP1-associated disorders. Also, this variant is rare in population databases. The currently available literature and clinical evidence are not sufficient to establish a definitive association between this variant and the reported condition. Therefore, this variant is classified as a variant of uncertain significance.

NM_032436.4(CHAMP1):c.2396dup (p.Met800fs)

Gene: CHAMP1 (chromosome alignment maintaining phosphoprotein 1; plus strand). Cytogenetic location: 13q34.
Variant type: Duplication.
Coding change: c.2396dup on transcript NM_032436.4 (MANE Select); coding-DNA position 2396, one base duplicated (T; older notation c.2396dupT).
Protein change: p.Met800fs; shifts the reading frame from methionine 800.
Molecular consequence: frameshift variant.
Genome position (GRCh38, 1-based): chr13:114,326,238, T duplicated. VCF-style (leftmost placement, unchanged base first): chr13-114326237-C-CT. GRCh37 (hg19) VCF-style: chr13-115091712-C-CT.
Other names: c.2396dup, p.Met800fs (NM_001164144.3, NM_001164145.3); short protein forms M800fs.
Identifiers: ClinVar variation 4886280 (VCV004886280.2).